The following is an entry in ClinVar:

ClinVar aggregate classification (germline): Likely pathogenic. Review status: criteria provided, single submitter (1 of 4 stars). 2 submissions from 2 submitters: Likely pathogenic (1). 1 of the submissions does not count toward it. Last evaluated 2023-11-21.

Conditions:
Retinal dystrophy. Also called: Inherited retinal dystrophy. Identifiers: Orphanet 71862, MedGen C0854723, MeSH D058499, MONDO:0019118, HP:0000556.

Allele frequency attached by ClinVar (database versions not stated): gnomAD exomes below 0.00001.
gnomAD v4.1: 4 of 1,613,284 alleles (0.00025%); highest among the groups gnomAD compares: Non-Finnish European, 0.00034%; no homozygotes.

Submissions (2):

Labcorp Genetics (formerly Invitae), Labcorp
Classification: Likely pathogenic. Last evaluated: 2023-11-21. Review status: criteria provided, single submitter. Criteria: Invitae Variant Classification Sherloc (09022015). Collection method: clinical testing. Allele origin: germline.
Comment: This sequence change affects an acceptor splice site in intron 32 of the USH2A gene. It is expected to disrupt RNA splicing. Variants that disrupt the donor or acceptor splice site typically lead to a loss of protein function (PMID: 16199547), and loss-of-function variants in USH2A are known to be pathogenic (PMID: 10729113, 10909849, 20507924, 25649381). This variant is present in population databases (no rsID available, gnomAD 0.0009%). Disruption of this splice site has been observed in individual(s) with retinitis pigmentosa and/or Usher syndrome (PMID: 27208204, 34721897). ClinVar contains an entry for this variant (Variation ID: 236542). Algorithms developed to predict the effect of sequence changes on RNA splicing suggest that this variant may disrupt the consensus splice site. In summary, the currently available evidence indicates that the variant is pathogenic, but additional data are needed to prove that conclusively. Therefore, this variant has been classified as Likely Pathogenic.

Centre for Genomic Medicine, Manchester, Central Manchester University Hospitals
Classification: Uncertain significance for Retinal dystrophy. Review status: no assertion criteria provided. Collection method: clinical testing. Allele origin: germline. Affected: yes. Not counted in ClinVar's aggregate classification.

Literature cited by the submitters: PubMed 16199547 (cited by Labcorp Genetics (formerly Invitae), Labcorp); PubMed 10729113 (cited by Labcorp Genetics (formerly Invitae), Labcorp); PubMed 10909849 (cited by Labcorp Genetics (formerly Invitae), Labcorp); PubMed 20507924 (cited by Labcorp Genetics (formerly Invitae), Labcorp); PubMed 25649381 (cited by Labcorp Genetics (formerly Invitae), Labcorp); PubMed 27208204 (cited by Labcorp Genetics (formerly Invitae), Labcorp); PubMed 34721897 (cited by Labcorp Genetics (formerly Invitae), Labcorp).

NM_206933.4(USH2A):c.6326-1G>A

Gene: USH2A (usherin; minus strand). Cytogenetic location: 1q41.
Variant type: single nucleotide variant.
Coding change: c.6326-1G>A on transcript NM_206933.4 (MANE Select); the canonical splice acceptor site of the intron before coding-DNA position 6326, G replaced by A.
Molecular consequence: splice acceptor variant.
Genome position (GRCh38, 1-based): chr1:216,000,563, C>T on the plus strand (G>A on the coding strand, the complement: USH2A is on the minus strand). VCF-style: chr1-216000563-C-T. GRCh37 (hg19) VCF-style: chr1-216173905-C-T.
Identifiers: ClinVar variation 236542 (VCV000236542.4), dbSNP rs878853411, ClinGen allele CA10581640.